The following is an entry in ClinVar:

ClinVar aggregate classification (germline): Likely benign (0 of 4 stars; one submission).

Conditions:
SEMA3D-related disorder. Also called: SEMA3D-related condition.

Allele frequency attached by ClinVar (database versions not stated): 1000 Genomes Project 30x 0.00016.
gnomAD v4.1: 63 of 1,612,084 alleles (0.0039%); highest among the groups gnomAD compares: African/African-American, 0.015%; no homozygotes.

Submission:

PreventionGenetics, part of Exact Sciences
Classification: Likely benign for SEMA3D-related condition. Last evaluated: 2023-09-08. Review status: no assertion criteria provided. Collection method: clinical testing. Allele origin: germline.
Comment: This variant is classified as likely benign based on ACMG/AMP sequence variant interpretation guidelines (Richards et al. 2015 PMID: 25741868, with internal and published modifications).

NM_001384900.1(SEMA3D):c.1290C>T (p.Ser430=)

Gene: SEMA3D (semaphorin 3D; minus strand). Cytogenetic location: 7q21.11.
Variant type: single nucleotide variant.
Coding change: c.1290C>T on transcript NM_001384900.1 (MANE Select); coding-DNA position 1290, C replaced by T.
Protein change: p.Ser430=; no amino-acid change (serine 430 retained).
Molecular consequence: synonymous variant.
Genome position (GRCh38, 1-based): chr7:85,022,515, G>A on the plus strand (C>T on the coding strand, the complement: SEMA3D is on the minus strand). VCF-style: chr7-85022515-G-A. GRCh37 (hg19) VCF-style: chr7-84651831-G-A.
Other names: c.1290C>T, p.Ser430= (NM_001384901.1, NM_001384902.1, NM_001384903.1 and 1 more transcripts).
Identifiers: ClinVar variation 3048512 (VCV003048512.2), dbSNP rs147923999, ClinGen allele CA4323474.